The following is an entry in ClinVar:

ClinVar aggregate classification (germline): Uncertain significance (1 of 4 stars; one submission).

Conditions:
Developmental and epileptic encephalopathy, 33 (DEE33). Also called: Epileptic encephalopathy, early infantile, 33. Identifiers: Orphanet 442835, MedGen C4225337, MONDO:0014625, OMIM 616409.

Submission:

Labcorp Genetics (formerly Invitae), Labcorp
Classification: Uncertain significance for Developmental and epileptic encephalopathy, 33. Last evaluated: 2024-05-04. Review status: criteria provided, single submitter. Criteria: Invitae Variant Classification Sherloc (09022015). Collection method: clinical testing. Allele origin: germline.
Comment: This sequence change creates a premature translational stop signal (p.Tyr167*) in the EEF1A2 gene. It is expected to result in an absent or disrupted protein product. However, the current clinical and genetic evidence is not sufficient to establish whether loss-of-function variants in EEF1A2 cause disease. This variant is not present in population databases (gnomAD no frequency). This variant has not been reported in the literature in individuals affected with EEF1A2-related conditions. In summary, the available evidence is currently insufficient to determine the role of this variant in disease. Therefore, it has been classified as a Variant of Uncertain Significance.

NM_001958.5(EEF1A2):c.501C>G (p.Tyr167Ter)

Genes: EEF1A2 (eukaryotic translation elongation factor 1 alpha 2; minus strand), LOC132090595 (Neanderthal introgressed variant-containing enhancer experimental_60987; plus strand). Cytogenetic location: 20q13.33.
Variant type: single nucleotide variant.
Coding change: c.501C>G on transcript NM_001958.5 (MANE Select); coding-DNA position 501, C replaced by G.
Protein change: p.Tyr167Ter; replaces tyrosine 167 with a stop codon.
Molecular consequence: nonsense.
Genome position (GRCh38, 1-based): chr20:63,494,925, G>C on the plus strand (C>G on the coding strand, the complement: EEF1A2 is on the minus strand). VCF-style: chr20-63494925-G-C. GRCh37 (hg19) VCF-style: chr20-62126278-G-C.
Other names: short protein forms Y167*.
Identifiers: ClinVar variation 3652101 (VCV003652101.2).
Genomic context (GRCh38, chr20:63,494,925, plus strand): 5'-GGTGGCCGGGTTGTAGCCGATCTTCTTGATGTAGGCGCTGACTTCCTTGACGATCTCGTC[G>C]TAGCGCTTCTCGCTGTAGGCCGGCTCTGTGGAGTCCATTTTGTTCACGCCCACGATGAGC-3'